The following is an entry in ClinVar:

ClinVar aggregate classification (germline): Conflicting classifications of pathogenicity. Review status: criteria provided, conflicting classifications (1 of 4 stars). 4 submissions from 4 submitters: Uncertain significance (2); Likely benign (1). 1 of the submissions does not count toward it. Last evaluated 2025-03-30.

Conditions:
Menke-Hennekam syndrome 1 (MKHK1). Identifiers: MedGen C5193034, MONDO:0020763, OMIM 618332.
Rubinstein-Taybi syndrome due to CREBBP mutations (RSTS1). Also called: CREBBP-Related Rubinstein-Taybi Syndrome; RUBINSTEIN-TAYBI SYNDROME 1, INCOMPLETE; BROAD THUMB-HALLUX SYNDROME; RUBINSTEIN SYNDROME; Rubinstein-Taybi syndrome 1; BROAD THUMBS AND GREAT TOES, CHARACTERISTIC FACIES, AND IMPAIRED INTELLECTUAL DEVELOPMENT. Identifiers: Orphanet 353277, Orphanet 783, MedGen C4551859, MONDO:0008393, OMIM 180849.
CREBBP-related disorder. Also called: CREBBP-related condition; CREBBP-related disorders.
Rubinstein-Taybi syndrome (RSTS). Identifiers: Orphanet 783, MedGen C0035934, MONDO:0019188.

Allele frequency attached by ClinVar (database versions not stated): gnomAD 0.00001; TOPMed 0.00002; ExAC 0.00003; gnomAD exomes 0.00004; ESP Exome Variant Server 0.00008.
gnomAD v4.1: 32 of 1,613,998 alleles (0.002%); highest among the groups gnomAD compares: South Asian, 0.014%; no homozygotes.

Submissions (4):

Labcorp Genetics (formerly Invitae), Labcorp
Classification: Likely benign for Rubinstein-Taybi syndrome. Last evaluated: 2025-03-30. Review status: criteria provided, single submitter. Criteria: Invitae Variant Classification Sherloc (09022015). Collection method: clinical testing. Allele origin: germline.

Mendelics
Classification: Uncertain significance. Last evaluated: 2022-05-04. Review status: criteria provided, single submitter. Criteria: Mendelics Assertion Criteria 2019. Collection method: clinical testing. Allele origin: germline.

Fulgent Genetics
Classification: Uncertain significance for Rubinstein-Taybi syndrome due to CREBBP mutations; Menke-Hennekam syndrome 1. Last evaluated: 2022-03-27. Review status: criteria provided, single submitter. Criteria: ACMG Guidelines, 2015. Collection method: clinical testing. Allele origin: unknown.

PreventionGenetics, part of Exact Sciences
Classification: Likely benign for CREBBP-related condition. Last evaluated: 2023-01-31. Review status: no assertion criteria provided. Collection method: clinical testing. Allele origin: germline. Not counted in ClinVar's aggregate classification.
Comment: This variant is classified as likely benign based on ACMG/AMP sequence variant interpretation guidelines (Richards et al. 2015 PMID: 25741868, with internal and published modifications).

NM_004380.3(CREBBP):c.3485A>G (p.Asn1162Ser)

Gene: CREBBP (CREB binding lysine acetyltransferase; minus strand). Cytogenetic location: 16p13.3.
Variant type: single nucleotide variant.
Coding change: c.3485A>G on transcript NM_004380.3 (MANE Select); coding-DNA position 3485, A replaced by G.
Protein change: p.Asn1162Ser; replaces asparagine 1162 with serine.
Molecular consequence: missense variant.
Genome position (GRCh38, 1-based): chr16:3,757,933, T>C on the plus strand (A>G on the coding strand, the complement: CREBBP is on the minus strand). VCF-style: chr16-3757933-T-C. GRCh37 (hg19) VCF-style: chr16-3807934-T-C.
Other names: c.3371A>G, p.Asn1124Ser (NM_001079846.1); c.3485A>G (NM_004380.2); short protein forms N1124S, N1162S.
Identifiers: ClinVar variation 1686599 (VCV001686599.6), dbSNP rs148166625, ClinGen allele CA7869804.